The following is an entry in ClinVar:

NM_001376232.1(ZP2):c.1546C>T (p.Leu516=)

Gene: ZP2 (zona pellucida glycoprotein 2; minus strand). Cytogenetic location: 16p12.2.
Variant type: single nucleotide variant.
Coding change: c.1546C>T on transcript NM_001376232.1 (MANE Select); coding-DNA position 1546, C replaced by T.
Protein change: p.Leu516=; no amino-acid change (leucine 516 retained).
Molecular consequence: synonymous variant. On other transcripts: non-coding transcript variant (1).
Genome position (GRCh38, 1-based): chr16:21,201,517, G>A on the plus strand (C>T on the coding strand, the complement: ZP2 is on the minus strand). VCF-style: chr16-21201517-G-A. GRCh37 (hg19) VCF-style: chr16-21212838-G-A.
Other names: c.1519C>T, p.Leu507= (NM_001376231.1); c.1546C>T, p.Leu516= (NM_001376233.1, NM_003460.2).
Identifiers: ClinVar variation 3770939 (VCV003770939.13).
Genomic context (GRCh38, chr16:21,201,517, plus strand): 5'-GGTCATCCCTGTTTAGGACTCTCACTTCCATGTAAATTGGTTGGCGGAGGAATCTCACTA[G>A]AGGGTACTCGTTTTCCCCATAAGGTTGTTGGTAGGAATTATCTGAAATTGAATGGTATTC-3'
Protein context (NP_001363161.1, residues 506-526): QQPYGENEYP[Leu516=]VRFLRQPIYM

ClinVar aggregate classification (germline): Likely benign (1 of 4 stars; one submission).

gnomAD v4.1: 1,204 of 1,612,732 alleles (0.075%); highest among the groups gnomAD compares: Admixed American, 0.4%; 2 homozygotes.

Submission:

CeGaT Center for Human Genetics Tuebingen
Classification: Likely benign. Last evaluated: 2025-02-01. Review status: criteria provided, single submitter. Criteria: CeGaT Center For Human Genetics Tuebingen Variant Classification Criteria Version 2. Collection method: clinical testing. Allele origin: germline. Affected: yes. Observed: 2 variant alleles.
Comment: ZP2: BP4, BP7